The following is an entry in ClinVar:

NM_032802.4(SPPL2A):c.682G>T (p.Val228Phe)

Gene: SPPL2A (signal peptide peptidase like 2A; minus strand). Cytogenetic location: 15q21.2.
Variant type: single nucleotide variant.
Coding change: c.682G>T on transcript NM_032802.4 (MANE Select); coding-DNA position 682, G replaced by T.
Protein change: p.Val228Phe; replaces valine 228 with phenylalanine.
Molecular consequence: missense variant.
Genome position (GRCh38, 1-based): chr15:50,739,731, C>A on the plus strand (G>T on the coding strand, the complement: SPPL2A is on the minus strand). VCF-style: chr15-50739731-C-A. GRCh37 (hg19) VCF-style: chr15-51031928-C-A.
Other names: short protein forms V228F.
Identifiers: ClinVar variation 2005476 (VCV002005476.4), dbSNP rs751547641, ClinGen allele CA7558455.
Genomic context (GRCh38, chr15:50,739,731, plus strand): 5'-ACTTCTTACCCAACCATTTGTAGAAGAAATAAAGTAAGACCATCATAACACAGCAGATGA[C>A]CACAAATATTACAACTGTAAGAGGACTAAAAGTTAAATATTCTTCCTTCTTTTTCCTCAT-3'
Protein context (NP_116191.2, residues 218-238): FSPLTVVIFV[Val228Phe]ICCVMMVLLY

ClinVar aggregate classification (germline): Uncertain significance (1 of 4 stars; one submission).

Allele frequency attached by ClinVar (database versions not stated): gnomAD 0.00001; gnomAD exomes 0.00001; TOPMed 0.00001; ExAC 0.00002.
gnomAD v4.1: 15 of 1,601,820 alleles (0.00094%); highest among the groups gnomAD compares: Non-Finnish European, 0.0011%; no homozygotes.

Submission:

Labcorp Genetics (formerly Invitae), Labcorp
Classification: Uncertain significance. Last evaluated: 2024-07-24. Review status: criteria provided, single submitter. Criteria: Invitae Variant Classification Sherloc (09022015). Collection method: clinical testing. Allele origin: germline.
Comment: This sequence change replaces valine, which is neutral and non-polar, with phenylalanine, which is neutral and non-polar, at codon 228 of the SPPL2A protein (p.Val228Phe). This variant is present in population databases (rs751547641, gnomAD 0.003%). This variant has not been reported in the literature in individuals affected with SPPL2A-related conditions. ClinVar contains an entry for this variant (Variation ID: 2005476). An algorithm developed to predict the effect of missense changes on protein structure and function (PolyPhen-2) suggests that this variant is likely to be disruptive. In summary, the available evidence is currently insufficient to determine the role of this variant in disease. Therefore, it has been classified as a Variant of Uncertain Significance.